The following is an entry in ClinVar:

NM_012414.4(RAB3GAP2):c.1715-8del

Gene: RAB3GAP2 (RAB3 GTPase activating non-catalytic protein subunit 2; minus strand). Cytogenetic location: 1q41.
Variant type: Deletion.
Coding change: c.1715-8del on transcript NM_012414.4 (MANE Select); 8 bases into the intron before coding-DNA position 1715, one base deleted (C; older notation c.1715-8delC).
Molecular consequence: intron variant.
Genome position (GRCh38, 1-based): chr1:220,189,775, G deleted on the plus strand (C on the coding strand, the reverse complement: RAB3GAP2 is on the minus strand). VCF-style (leftmost placement, unchanged base first): chr1-220189774-AG-A. GRCh37 (hg19) VCF-style: chr1-220363116-AG-A.
Identifiers: ClinVar variation 509854 (VCV000509854.2), dbSNP rs1297620057, ClinGen allele CA529067479.
Genomic context (GRCh38, chr1:220,189,774, plus strand): 5'-TTGCAGGGTATTTAATATCAAGAATTAATTCCTTTATTTCTGTTTCAACCAAATCTATAA[AG>A]AAAAAAATAATCAAAGTAAAATTTTAATTTTTATAACAGTGAAACATTATTCTGAAAGAA-3'

ClinVar aggregate classification (germline): Likely benign. Review status: criteria provided, multiple submitters, no conflicts (2 of 4 stars). 2 submissions from 2 submitters: Likely benign (2). Last evaluated 2025-10-23.

Conditions:
Warburg micro syndrome 2 (WARBM2). Also called: MICRO SYNDROME 2. Identifiers: Orphanet 2510, MedGen C3280214, MONDO:0013641, OMIM 614225.
Martsolf syndrome (MARTS). Also called: Congenital cataract with intellectual disability and hypogonadotropic hypogonadism syndrome. Identifiers: Orphanet 1387, MedGen C0796037, MONDO:0023910.

Allele frequency attached by ClinVar (database versions not stated): gnomAD 0.00001; gnomAD exomes 0.00001; TOPMed 0.00002.

Submissions (2):

Labcorp Genetics (formerly Invitae), Labcorp
Classification: Likely benign for Martsolf syndrome; Warburg micro syndrome 2. Last evaluated: 2025-10-23. Review status: criteria provided, single submitter. Criteria: Invitae Variant Classification Sherloc (09022015). Collection method: clinical testing. Allele origin: germline.

GeneDx
Classification: Likely benign. Last evaluated: 2023-08-09. Review status: criteria provided, single submitter. Criteria: GeneDx Variant Classification Process June 2021. Collection method: clinical testing. Allele origin: germline. Affected: yes.
Comment: See Variant Classification Assertion Criteria.